The following is an entry in ClinVar:

NM_144997.7(FLCN):c.1177-14G>C

Gene: FLCN (folliculin; minus strand). Cytogenetic location: 17p11.2.
Variant type: single nucleotide variant.
Coding change: c.1177-14G>C on transcript NM_144997.7 (MANE Select); 14 bases into the intron before coding-DNA position 1177, G replaced by C.
Molecular consequence: intron variant.
Genome position (GRCh38, 1-based): chr17:17,216,517, C>G on the plus strand (G>C on the coding strand, the complement: FLCN is on the minus strand). VCF-style: chr17-17216517-C-G. GRCh37 (hg19) VCF-style: chr17-17119831-C-G.
Other names: c.1177-14G>C (NM_001353231.2, NM_001353230.2); c.1231-14G>C (NM_001353229.2).
Identifiers: ClinVar variation 2738149 (VCV002738149.4), dbSNP rs2144860746, ClinGen allele CA2697559477.
Genomic context (GRCh38, chr17:17,216,517, plus strand): 5'-TGGCTGCTGTATGGGATGATGCGGACGCAGCCCACGGGAAGCATGGTCTGAGGAGGACAG[C>G]AGGACTCAGACCAAGGACACGAGGAAGCCCTCAGCCCCGGCCATCCATGCTCTACTACCC-3'

ClinVar aggregate classification (germline): Likely benign. Review status: criteria provided, multiple submitters, no conflicts (2 of 4 stars). 2 submissions from 2 submitters: Likely benign (2). Last evaluated 2024-10-24.

Conditions:
Birt-Hogg-Dube syndrome. Also called: Birt Hogg Dubé syndrome. Identifiers: Orphanet 122, MedGen C0346010, MONDO:0800444.
Birt-Hogg-Dube syndrome 1 (BHD1). Also called: FIBROFOLLICULOMAS WITH TRICHODISCOMAS AND ACROCHORDONS. Identifiers: Orphanet 122, MedGen CN375946, MONDO:0800445, OMIM 135150.

Submissions (2):

Myriad Genetics, Inc.
Classification: Likely benign for Birt-Hogg-Dube syndrome 1. Last evaluated: 2024-10-24. Review status: criteria provided, single submitter. Criteria: Myriad Autosomal Dominant, Autosomal Recessive and X-Linked Classification Criteria (2023). Collection method: clinical testing. Allele origin: unknown.
Comment: This variant is considered likely benign. This variant is intronic and is not expected to impact mRNA splicing.

Labcorp Genetics (formerly Invitae), Labcorp
Classification: Likely benign for Birt-Hogg-Dube syndrome. Last evaluated: 2023-07-08. Review status: criteria provided, single submitter. Criteria: Invitae Variant Classification Sherloc (09022015). Collection method: clinical testing. Allele origin: germline.